The following is an entry in ClinVar:

ClinVar aggregate classification (germline): Uncertain significance (1 of 4 stars; one submission).

Conditions:
Catecholaminergic polymorphic ventricular tachycardia 1. Also called: RYR2-Related Catecholaminergic Polymorphic Ventricular Tachycardia; VENTRICULAR TACHYCARDIA, CATECHOLAMINERGIC POLYMORPHIC, 1, WITH OR WITHOUT ATRIAL DYSFUNCTION AND/OR DILATED CARDIOMYOPATHY; VENTRICULAR TACHYCARDIA, STRESS-INDUCED POLYMORPHIC 1. Identifiers: Orphanet 3286, MedGen C1631597, MONDO:0011484, OMIM 604772.

Submission:

Labcorp Genetics (formerly Invitae), Labcorp
Classification: Uncertain significance for Catecholaminergic polymorphic ventricular tachycardia 1. Last evaluated: 2025-01-11. Review status: criteria provided, single submitter. Criteria: Invitae Variant Classification Sherloc (09022015). Collection method: clinical testing. Allele origin: germline.
Comment: This sequence change falls in intron 94 of the RYR2 gene. It does not directly change the encoded amino acid sequence of the RYR2 protein. It affects a nucleotide within the consensus splice site. This variant is not present in population databases (gnomAD no frequency). This variant has not been reported in the literature in individuals affected with RYR2-related conditions. Variants that disrupt the consensus splice site are a relatively common cause of aberrant splicing (PMID: 17576681, 9536098). Algorithms developed to predict the effect of sequence changes on RNA splicing suggest that this variant is not likely to affect RNA splicing. In summary, the available evidence is currently insufficient to determine the role of this variant in disease. Therefore, it has been classified as a Variant of Uncertain Significance.

Literature cited by the submitters: PubMed 17576681; PubMed 9536098.

NM_001035.3(RYR2):c.13783-3T>C

Gene: RYR2 (ryanodine receptor 2; plus strand). Cytogenetic location: 1q43.
Variant type: single nucleotide variant.
Coding change: c.13783-3T>C on transcript NM_001035.3 (MANE Select); 3 bases into the intron before coding-DNA position 13783, T replaced by C.
Molecular consequence: intron variant.
Genome position (GRCh38, 1-based): chr1:237,793,864, T>C. VCF-style: chr1-237793864-T-C. GRCh37 (hg19) VCF-style: chr1-237957164-T-C.
Identifiers: ClinVar variation 3728785 (VCV003728785.2).